The following is an entry in ClinVar:

NM_205836.3(FBXO38):c.2689C>T (p.Arg897Trp)

Gene: FBXO38 (F-box protein 38; plus strand). Cytogenetic location: 5q32.
Variant type: single nucleotide variant.
Coding change: c.2689C>T on transcript NM_205836.3 (MANE Select); coding-DNA position 2689, C replaced by T.
Protein change: p.Arg897Trp; replaces arginine 897 with tryptophan.
Molecular consequence: missense variant.
Genome position (GRCh38, 1-based): chr5:148,433,459, C>T. VCF-style: chr5-148433459-C-T. GRCh37 (hg19) VCF-style: chr5-147813022-C-T.
Other names: c.1954C>T, p.Arg652Trp (NM_001271723.2); c.2464C>T, p.Arg822Trp (NM_030793.5); short protein forms R897W, R652W, R822W.
Identifiers: ClinVar variation 661365 (VCV000661365.12), dbSNP rs138967647, ClinGen allele CA3497574.
Genomic context (GRCh38, chr5:148,433,459, plus strand): 5'-TTTTCTTTTTTTTTGCCTTTTTTAGAAGTAGCCAAAACAAAGCCACGTCACGCCATGAAA[C>T]GGAAGCGGACAGCAGATAAATCCACTAGTACAAGTGATCCTGTGATCGAGGATGACCATG-3'
Protein context (NP_995308.1, residues 887-907): AKTKPRHAMK[Arg897Trp]KRTADKSTST

ClinVar aggregate classification (germline): Uncertain significance. Review status: criteria provided, multiple submitters, no conflicts (2 of 4 stars). 2 submissions from 2 submitters: Uncertain significance (2). Last evaluated 2024-09-23.

Conditions:
Distal hereditary motor neuropathy type 2. Identifiers: Orphanet 139525, MedGen C3711384, MeSH C580044, MONDO:0015352.

Allele frequency attached by ClinVar (database versions not stated): TOPMed 0.00001; gnomAD 0.00002; gnomAD exomes 0.00002; ExAC 0.00004; ESP Exome Variant Server 0.00008.
gnomAD v4.1: 17 of 1,613,466 alleles (0.0011%); highest among the groups gnomAD compares: Middle Eastern, 0.016%; no homozygotes.

Submissions (2):

Labcorp Genetics (formerly Invitae), Labcorp
Classification: Uncertain significance for Distal hereditary motor neuropathy type 2. Last evaluated: 2024-09-23. Review status: criteria provided, single submitter. Criteria: Invitae Variant Classification Sherloc (09022015). Collection method: clinical testing. Allele origin: germline.
Comment: This sequence change replaces arginine, which is basic and polar, with tryptophan, which is neutral and slightly polar, at codon 822 of the FBXO38 protein (p.Arg822Trp). This variant is present in population databases (rs138967647, gnomAD 0.004%). This variant has not been reported in the literature in individuals affected with FBXO38-related conditions. ClinVar contains an entry for this variant (Variation ID: 661365). An algorithm developed to predict the effect of missense changes on protein structure and function (PolyPhen-2) suggests that this variant is likely to be disruptive. In summary, the available evidence is currently insufficient to determine the role of this variant in disease. Therefore, it has been classified as a Variant of Uncertain Significance.

Ambry Genetics
Classification: Uncertain significance. Last evaluated: 2022-02-20. Review status: criteria provided, single submitter. Criteria: Ambry Variant Classification Scheme 2023. Collection method: clinical testing. Allele origin: germline.
Comment: The p.R897W variant (also known as c.2689C>T), located in coding exon 15 of the FBXO38 gene, results from a C to T substitution at nucleotide position 2689. The arginine at codon 897 is replaced by tryptophan, an amino acid with dissimilar properties. This amino acid position is well conserved in available vertebrate species. In addition, this alteration is predicted to be tolerated by in silico analysis. Since supporting evidence is limited at this time, the clinical significance of this alteration remains unclear.